The following is an entry in ClinVar:

NM_001034850.3(RETREG1):c.1219C>T (p.His407Tyr)

Gene: RETREG1 (reticulophagy regulator 1; minus strand). Cytogenetic location: 5p15.1.
Variant type: single nucleotide variant.
Coding change: c.1219C>T on transcript NM_001034850.3 (MANE Select); coding-DNA position 1219, C replaced by T.
Protein change: p.His407Tyr; replaces histidine 407 with tyrosine.
Molecular consequence: missense variant.
Genome position (GRCh38, 1-based): chr5:16,475,016, G>A on the plus strand (C>T on the coding strand, the complement: RETREG1 is on the minus strand). VCF-style: chr5-16475016-G-A. GRCh37 (hg19) VCF-style: chr5-16475125-G-A.
Other names: c.796C>T, p.His266Tyr (NM_019000.5); short protein forms H407Y, H266Y.
Identifiers: ClinVar variation 538123 (VCV000538123.9), dbSNP rs1554014624, ClinGen allele CA359256166.

ClinVar aggregate classification (germline): Uncertain significance (1 of 4 stars; one submission).

Allele frequency attached by ClinVar (database versions not stated): gnomAD exomes below 0.00001.

Submission:

Labcorp Genetics (formerly Invitae), Labcorp
Classification: Uncertain significance. Last evaluated: 2017-12-23. Review status: criteria provided, single submitter. Criteria: Invitae Variant Classification Sherloc (09022015). Collection method: clinical testing. Allele origin: germline.
Comment: In summary, the available evidence is currently insufficient to determine the role of this variant in disease. Therefore, it has been classified as a Variant of Uncertain Significance. Algorithms developed to predict the effect of missense changes on protein structure and function (SIFT, PolyPhen-2, Align-GVGD) all suggest that this variant is likely to be tolerated, but these predictions have not been confirmed by published functional studies and their clinical significance is uncertain. This variant has not been reported in the literature in individuals with FAM134B-related disease. This variant is not present in population databases (ExAC no frequency). This sequence change replaces histidine with tyrosine at codon 407 of the FAM134B protein (p.His407Tyr). The histidine residue is moderately conserved and there is a moderate physicochemical difference between histidine and tyrosine.